The following is an entry in ClinVar:

ClinVar aggregate classification (germline): Uncertain significance. Review status: criteria provided, multiple submitters, no conflicts (2 of 4 stars). 2 submissions from 2 submitters: Uncertain significance (2). Last evaluated 2026-03-16.

Conditions:
Cohen syndrome (COH1). Also called: PEPPER SYNDROME; Cutis verticis gyrata, retinitis pigmentosa, and sensorineural deafness. Identifiers: Orphanet 193, MedGen C0265223, MONDO:0008999, OMIM 216550.
VPS13B-related disorder. Also called: VPS13B-related condition.

Submissions (2):

PreventionGenetics, part of Exact Sciences
Classification: Uncertain significance for VPS13B-related condition. Last evaluated: 2026-03-16. Review status: criteria provided, single submitter. Criteria: ACMG Guidelines, 2015. Collection method: clinical testing. Allele origin: germline.
Comment: The VPS13B c.1964C>G variant is predicted to result in the amino acid substitution p.Ala655Gly. To our knowledge, this variant has not been reported in the literature or in a large population database (gnomAD), indicating this variant is rare. At this time, the clinical significance of this variant is uncertain due to the absence of conclusive functional and genetic evidence.

Labcorp Genetics (formerly Invitae), Labcorp
Classification: Uncertain significance for Cohen syndrome. Last evaluated: 2025-12-23. Review status: criteria provided, single submitter. Criteria: Invitae Variant Classification Sherloc (09022015). Collection method: clinical testing. Allele origin: germline.
Comment: This sequence change replaces alanine, which is neutral and non-polar, with glycine, which is neutral and non-polar, at codon 655 of the VPS13B protein (p.Ala655Gly). This variant is not present in population databases (gnomAD no frequency). This variant has not been reported in the literature in individuals affected with VPS13B-related conditions. Invitae Evidence Modeling of protein sequence and biophysical properties (such as structural, functional, and spatial information, amino acid conservation, physicochemical variation, residue mobility, and thermodynamic stability) indicates that this missense variant is expected to disrupt VPS13B protein function with a positive predictive value of 80%. In summary, the available evidence is currently insufficient to determine the role of this variant in disease. Therefore, it has been classified as a Variant of Uncertain Significance.

NM_152564.5(VPS13B):c.1964C>G (p.Ala655Gly)

Gene: VPS13B (vacuolar protein sorting 13 homolog B; plus strand). Cytogenetic location: 8q22.2.
Variant type: single nucleotide variant.
Coding change: c.1964C>G on transcript NM_152564.5 (MANE Select); coding-DNA position 1964, C replaced by G.
Protein change: p.Ala655Gly; replaces alanine 655 with glycine.
Molecular consequence: missense variant.
Genome position (GRCh38, 1-based): chr8:99,147,961, C>G. VCF-style: chr8-99147961-C-G. GRCh37 (hg19) VCF-style: chr8-100160189-C-G.
Other names: c.1964C>G, p.Ala655Gly (NM_015243.3, NM_017890.5); short protein forms A655G.
Identifiers: ClinVar variation 4779890 (VCV004779890.2).
Genomic context (GRCh38, chr8:99,147,961, plus strand): 5'-ATATTCCTACTCGACATACAAGTGTTACTCTCCTCAAATGTACCTGCACAATTTCCATGG[C>G]TGAATTCAACTTGCTGGACCATTTACTACCTGTCATTATGGGAGAAAAGGTATATTTTGT-3'
Protein context (NP_689777.3, residues 645-665): LLKCTCTISM[Ala655Gly]EFNLLDHLLP